The following is an entry in ClinVar:

ClinVar aggregate classification (germline): Uncertain significance (1 of 4 stars; one submission).

Conditions:
Legius syndrome. Identifiers: Orphanet 137605, MedGen C1969623, MONDO:0012669, OMIM 611431. Disease mechanism: loss of function.

Submission:

Labcorp Genetics (formerly Invitae), Labcorp
Classification: Uncertain significance for Legius syndrome. Last evaluated: 2022-12-25. Review status: criteria provided, single submitter. Criteria: Invitae Variant Classification Sherloc (09022015). Collection method: clinical testing. Allele origin: germline.
Comment: In summary, the available evidence is currently insufficient to determine the role of this variant in disease. Therefore, it has been classified as a Variant of Uncertain Significance. Variants that disrupt the consensus splice site are a relatively common cause of aberrant splicing (PMID: 17576681, 9536098). Algorithms developed to predict the effect of sequence changes on RNA splicing suggest that this variant is not likely to affect RNA splicing. This variant has not been reported in the literature in individuals affected with SPRED1-related conditions. This variant is not present in population databases (gnomAD no frequency). This sequence change falls in intron 3 of the SPRED1 gene. It does not directly change the encoded amino acid sequence of the SPRED1 protein. It affects a nucleotide within the consensus splice site.

Literature cited by the submitters: PubMed 17576681; PubMed 9536098.

NM_152594.3(SPRED1):c.376+4G>C

Gene: SPRED1 (sprouty related EVH1 domain containing 1; plus strand). Cytogenetic location: 15q14.
Variant type: single nucleotide variant.
Coding change: c.376+4G>C on transcript NM_152594.3 (MANE Select); 4 bases into the intron after coding-DNA position 376, G replaced by C.
Molecular consequence: intron variant.
Genome position (GRCh38, 1-based): chr15:38,322,413, G>C. VCF-style: chr15-38322413-G-C. GRCh37 (hg19) VCF-style: chr15-38614614-G-C.
Identifiers: ClinVar variation 2738920 (VCV002738920.3), dbSNP rs1477635181, ClinGen allele CA2697554351.
Genomic context (GRCh38, chr15:38,322,413, plus strand): 5'-CTGATGCTAGGGCTTTTGATAGAGGTATCCGAAGAGCTATAGAGGATATTTCTCAAGGTA[G>C]GTATTCTTGACTATTTTCTTAATTTATTTATCGGTTATATATAGTAGAGGTTATCTTTCT-3'